The following is an entry in ClinVar:

NM_003000.3(SDHB):c.521T>C (p.Ile174Thr)

Gene: SDHB (succinate dehydrogenase complex iron sulfur subunit B; minus strand). Cytogenetic location: 1p36.13.
Variant type: single nucleotide variant.
Coding change: c.521T>C on transcript NM_003000.3 (MANE Select); coding-DNA position 521, T replaced by C.
Protein change: p.Ile174Thr; replaces isoleucine 174 with threonine.
Molecular consequence: missense variant.
Genome position (GRCh38, 1-based): chr1:17,027,768, A>G on the plus strand (T>C on the coding strand, the complement: SDHB is on the minus strand). VCF-style: chr1-17027768-A-G. GRCh37 (hg19) VCF-style: chr1-17354263-A-G.
Other names: short protein forms I174T.
Identifiers: ClinVar variation 412477 (VCV000412477.10), dbSNP rs200301019, ClinGen allele CA16609935.
Genomic context (GRCh38, chr1:17,027,768, plus strand): 5'-ATAAATTCTTCAGATTGAAACAATAAATAGGGACTAATGACCAGTTTCTCACGCTCTTCT[A>G]TGGACTGCAGATACTGCTGCTTGCCTTCCTGAGATTCATCCTTCTTCTTCAAATAAGGCT-3'
Protein context (NP_002991.2, residues 164-184): QEGKQQYLQS[Ile174Thr]EEREKLDGLY

ClinVar aggregate classification (germline): Uncertain significance. Review status: criteria provided, multiple submitters, no conflicts (2 of 4 stars). 3 submissions from 3 submitters: Uncertain significance (3). Last evaluated 2025-07-03.

Conditions:
Hereditary cancer-predisposing syndrome. Also called: Neoplastic Syndromes, Hereditary; Hereditary Cancer Syndrome; Hereditary neoplastic syndrome; Tumor predisposition. Identifiers: Orphanet 140162, MedGen C0027672, MeSH D009386, MONDO:0015356.
Pheochromocytoma/paraganglioma syndrome 4. Also called: PARAGANGLIOMA, FAMILIAL MALIGNANT; PARAGANGLIOMAS, HEREDITARY EXTRAADRENAL; PHEOCHROMOCYTOMA, FAMILIAL EXTRAADRENAL; Paragangliomas 4; CAROTID BODY TUMORS AND MULTIPLE EXTRAADRENAL PHEOCHROMOCYTOMAS; SDHB-Related Hereditary Paraganglioma-Pheochromocytoma Syndrome (Paragangliomas 4). Identifiers: Orphanet 29072, MedGen C1861848, MONDO:0007273, OMIM 115310.
Gastrointestinal stromal tumor. Also called: Gastrointestinal stroma tumor; Gastrointestinal stromal tumor, somatic. Identifiers: Orphanet 44890, MedGen C0238198, MeSH D046152, MONDO:0011719, OMIM 606764, HP:0100723.
Pheochromocytoma. Also called: MAX-Related Hereditary Paraganglioma-Pheochromocytoma Syndrome. Identifiers: Orphanet 29072, MedGen C0031511, MONDO:0008233, OMIM 171300, HP:0002666.

Allele frequency attached by ClinVar (database versions not stated): gnomAD exomes below 0.00001 and 0.00001.
gnomAD v4.1: 8 of 1,601,588 alleles (0.0005%); highest among the groups gnomAD compares: East Asian, 0.0022%; no homozygotes.

Submissions (3):

Labcorp Genetics (formerly Invitae), Labcorp
Classification: Uncertain significance for Gastrointestinal stromal tumor; Pheochromocytoma/paraganglioma syndrome 4; Pheochromocytoma. Last evaluated: 2025-07-03. Review status: criteria provided, single submitter. Criteria: Invitae Variant Classification Sherloc (09022015). Collection method: clinical testing. Allele origin: germline.
Comment: This sequence change replaces isoleucine, which is neutral and non-polar, with threonine, which is neutral and polar, at codon 174 of the SDHB protein (p.Ile174Thr). This variant is present in population databases (rs200301019, gnomAD 0.006%). This variant has not been reported in the literature in individuals affected with SDHB-related conditions. ClinVar contains an entry for this variant (Variation ID: 412477). Invitae Evidence Modeling of protein sequence and biophysical properties (such as structural, functional, and spatial information, amino acid conservation, physicochemical variation, residue mobility, and thermodynamic stability) indicates that this missense variant is not expected to disrupt SDHB protein function with a negative predictive value of 80%. In summary, the available evidence is currently insufficient to determine the role of this variant in disease. Therefore, it has been classified as a Variant of Uncertain Significance.

Ambry Genetics
Classification: Uncertain significance for Hereditary cancer-predisposing syndrome. Last evaluated: 2024-12-24. Review status: criteria provided, single submitter. Criteria: Ambry Variant Classification Scheme 2023. Collection method: clinical testing. Allele origin: germline.
Comment: The p.I174T variant (also known as c.521T>C), located in coding exon 5 of the SDHB gene, results from a T to C substitution at nucleotide position 521. The isoleucine at codon 174 is replaced by threonine, an amino acid with similar properties. This amino acid position is not well conserved in available vertebrate species. In addition, the in silico prediction for this alteration is inconclusive. Based on the available evidence, the clinical significance of this variant remains unclear.

GeneDx
Classification: Uncertain significance. Last evaluated: 2023-06-06. Review status: criteria provided, single submitter. Criteria: GeneDx Variant Classification Process June 2021. Collection method: clinical testing. Allele origin: germline. Affected: yes.
Comment: Not observed at significant frequency in large population cohorts (gnomAD); In silico analysis supports that this missense variant has a deleterious effect on protein structure/function; Has not been previously published as pathogenic or benign to our knowledge